The following is an entry in ClinVar:

ClinVar aggregate classification (germline): Conflicting classifications of pathogenicity. Review status: criteria provided, conflicting classifications (1 of 4 stars). 2 submissions from 2 submitters: Uncertain significance (1); Likely benign (1). Last evaluated 2024-10-09.

Conditions:
CEP78-related disorder. Also called: CEP78-related condition.

gnomAD v4.1: 55 of 696,760 alleles (0.0079%); highest among the groups gnomAD compares: Admixed American, 0.11%; 1 homozygote.

Submissions (2):

PreventionGenetics, part of Exact Sciences
Classification: Likely benign for CEP78-related condition. Last evaluated: 2024-10-09. Review status: criteria provided, single submitter. Criteria: ACMG Guidelines, 2015. Collection method: clinical testing. Allele origin: germline.
Comment: This variant is classified as likely benign based on ACMG/AMP sequence variant interpretation guidelines (Richards et al. 2015 PMID: 25741868, with internal and published modifications).

Blueprint Genetics
Classification: Uncertain significance. Last evaluated: 2021-09-14. Review status: criteria provided, single submitter. Criteria: ACMG Guidelines, 2015. Collection method: clinical testing. Allele origin: germline.

NM_001330691.3(CEP78):c.2114A>G (p.His705Arg)

Gene: CEP78 (centrosomal protein 78; plus strand). Cytogenetic location: 9q21.2.
Variant type: single nucleotide variant.
Coding change: c.2114A>G on transcript NM_001330691.3 (MANE Select); coding-DNA position 2114, A replaced by G.
Protein change: p.His705Arg; replaces histidine 705 with arginine.
Molecular consequence: missense variant.
Genome position (GRCh38, 1-based): chr9:78,270,847, A>G. VCF-style: chr9-78270847-A-G. GRCh37 (hg19) VCF-style: chr9-80885763-A-G.
Other names: c.2066A>G, p.His689Arg (NM_001330693.3); c.2117A>G, p.His706Arg (NM_001349839.2); c.2069A>G, p.His690Arg (NM_001349840.2); c.2114A>G (NM_001330691.1); short protein forms H690R, H689R, H705R, H706R.
Identifiers: ClinVar variation 4903546 (VCV004903546.2).
Genomic context (GRCh38, chr9:78,270,847, plus strand): 5'-CTACATGCTGGAACATTAACATGGATGACTGAACACATTCTTTTATGCTTCTAGAATCCC[A>G]TTGAAATGACTGGAGAAATATTAAAATAAAAATAATAGCAGAGTTGGAAAACCAGAAATT-3'
Protein context (NP_001317620.1, residues 695-705): SSEKKTKTES[His705Arg]